The following is an entry in ClinVar:

NM_000264.5(PTCH1):c.3511C>T (p.Leu1171Phe)

Gene: PTCH1 (patched 1; minus strand). Cytogenetic location: 9q22.32.
Variant type: single nucleotide variant.
Coding change: c.3511C>T on transcript NM_000264.5 (MANE Select); coding-DNA position 3511, C replaced by T.
Protein change: p.Leu1171Phe; replaces leucine 1171 with phenylalanine.
Molecular consequence: missense variant. On other transcripts: non-coding transcript variant (1).
Genome position (GRCh38, 1-based): chr9:95,449,879, G>A on the plus strand (C>T on the coding strand, the complement: PTCH1 is on the minus strand). VCF-style: chr9-95449879-G-A. GRCh37 (hg19) VCF-style: chr9-98212161-G-A.
Other names: c.3313C>T, p.Leu1105Phe (NM_001083602.3); c.3508C>T, p.Leu1170Phe (NM_001083603.3); c.3058C>T, p.Leu1020Phe (NM_001083604.3, NM_001083605.3, NM_001083606.3 and 1 more transcripts); c.3355C>T, p.Leu1119Phe (NM_001354918.2); short protein forms L1119F, L1170F, L1171F, L1020F, L1105F.
Identifiers: ClinVar variation 863906 (VCV000863906.10), dbSNP rs1838309603, ClinGen allele CA374111512.

ClinVar aggregate classification (germline): Uncertain significance (1 of 4 stars; one submission).

Conditions:
Gorlin syndrome. Also called: Nevoid Basal Cell Carcinoma Syndrome; Basal cell nevus syndrome. Identifiers: Orphanet 377, MedGen C0004779, MONDO:0007187.

Submission:

Labcorp Genetics (formerly Invitae), Labcorp
Classification: Uncertain significance for Gorlin syndrome. Last evaluated: 2019-05-16. Review status: criteria provided, single submitter. Criteria: Invitae Variant Classification Sherloc (09022015). Collection method: clinical testing. Allele origin: germline.
Comment: In summary, the available evidence is currently insufficient to determine the role of this variant in disease. Therefore, it has been classified as a Variant of Uncertain Significance. Algorithms developed to predict the effect of missense changes on protein structure and function are either unavailable or do not agree on the potential impact of this missense change (SIFT: "Tolerated"; PolyPhen-2: "Possibly Damaging"; Align-GVGD: "Class C0"). This variant has not been reported in the literature in individuals with PTCH1-related conditions. This variant is not present in population databases (ExAC no frequency). This sequence change replaces leucine with phenylalanine at codon 1171 of the PTCH1 protein (p.Leu1171Phe). The leucine residue is highly conserved and there is a small physicochemical difference between leucine and phenylalanine.